The following is an entry in ClinVar:

NM_001114753.3(ENG):c.562dup (p.Gln188fs)

Gene: ENG (endoglin; minus strand). Cytogenetic location: 9q34.11.
Variant type: Duplication.
Coding change: c.562dup on transcript NM_001114753.3 (MANE Select); coding-DNA position 562, one base duplicated (C; older notation c.562dupC).
Protein change: p.Gln188fs; shifts the reading frame from glutamine 188.
Molecular consequence: frameshift variant.
Genome position (GRCh38, 1-based): chr9:127,825,822, G duplicated on the plus strand (C on the coding strand, the reverse complement: ENG is on the minus strand); the first of 2 consecutive G bases (chr9:127,825,822-127,825,823); duplicating either gives the same sequence. VCF-style (leftmost placement, unchanged base first): chr9-127825821-T-TG. GRCh37 (hg19) VCF-style: chr9-130588100-T-TG.
Other names: c.562dupC (NM_001114753.1); c.561dup, p.Gln188Profs (NM_000118.4, NM_001406715.1); c.16dup, p.Gln6fs (NM_001278138.2); short protein forms Q188fs, Q6fs.
Identifiers: ClinVar variation 663306 (VCV000663306.12), dbSNP rs1588582962, ClinGen allele CA915947183.
Genomic context (GRCh38, chr9:127,825,821, plus strand): 5'-TGGCAGCCCCGGACCAAGGCTGGAGTACGCGGCCGCCACTCGAGCGTGCGGCCCATGTCC[T>TG]GGCTGGCTTCCAGCATGCAGAAGGACAGTGACCCCTGGGCTGCAGAGACACGCGCACCTC-3'

ClinVar aggregate classification (germline): Pathogenic. Review status: criteria provided, multiple submitters, no conflicts (2 of 4 stars). 2 submissions from 2 submitters: Pathogenic (2). Last evaluated 2024-01-23.

Conditions:
Hereditary hemorrhagic telangiectasia (HHT). Also called: ORW DISEASE; Osler Weber Rendu syndrome; OSLER-RENDU-WEBER DISEASE; Osler hemorrhagic telangiectasia syndrome. Identifiers: Orphanet 774, MedGen C0039445, MONDO:0019180. Disease mechanism: loss of function.
Cardiovascular phenotype. Identifiers: MedGen CN230736.

Submissions (2):

Ambry Genetics
Classification: Pathogenic for Cardiovascular phenotype. Last evaluated: 2024-01-23. Review status: criteria provided, single submitter. Criteria: Ambry Variant Classification Scheme 2023. Collection method: clinical testing. Allele origin: germline.
Comment: The c.562dupC pathogenic mutation, located in coding exon 5 of the ENG gene, results from a duplication of C at nucleotide position 562, causing a translational frameshift with a predicted alternate stop codon (p.Q188Pfs*146). This alteration has been reported in an individual with hereditary hemorrhagic telangiectasia (HHT) (Cymerman U et al. Hum Mutat, 2003 May;21:482-92). This variant is considered to be rare based on population cohorts in the Genome Aggregation Database (gnomAD). In addition to the clinical data presented in the literature, this alteration is expected to result in loss of function by premature protein truncation or nonsense-mediated mRNA decay. As such, this alteration is interpreted as a disease-causing mutation.

Labcorp Genetics (formerly Invitae), Labcorp
Classification: Pathogenic for Hereditary hemorrhagic telangiectasia. Last evaluated: 2018-12-25. Review status: criteria provided, single submitter. Criteria: Invitae Variant Classification Sherloc (09022015). Collection method: clinical testing. Allele origin: germline.
Comment: This sequence change creates a premature translational stop signal (p.Gln188Profs*146) in the ENG gene. It is expected to result in an absent or disrupted protein product. This variant is not present in population databases (ExAC no frequency). This variant has been observed in individuals affected with hereditary hemorrhagic telangiectasia (PMID: 12673790, Invitae). Loss-of-function variants in ENG are known to be pathogenic (PMID: 15879500, 20656886, 22385575). For these reasons, this variant has been classified as Pathogenic.

Literature cited by the submitters: PubMed 12673790 (cited by Ambry Genetics and Labcorp Genetics (formerly Invitae), Labcorp); PubMed 15879500 (cited by Labcorp Genetics (formerly Invitae), Labcorp); PubMed 20656886 (cited by Labcorp Genetics (formerly Invitae), Labcorp); PubMed 22385575 (cited by Labcorp Genetics (formerly Invitae), Labcorp).